The following is an entry in ClinVar:

NM_015346.4(ZFYVE26):c.2263C>T (p.Arg755Ter)

Gene: ZFYVE26 (zinc finger FYVE-type containing 26; minus strand). Cytogenetic location: 14q24.1.
Variant type: single nucleotide variant.
Coding change: c.2263C>T on transcript NM_015346.4 (MANE Select); coding-DNA position 2263, C replaced by T.
Protein change: p.Arg755Ter; replaces arginine 755 with a stop codon.
Molecular consequence: nonsense.
Genome position (GRCh38, 1-based): chr14:67,797,741, G>A on the plus strand (C>T on the coding strand, the complement: ZFYVE26 is on the minus strand). VCF-style: chr14-67797741-G-A. GRCh37 (hg19) VCF-style: chr14-68264458-G-A.
Other names: short protein forms R755*.
Identifiers: ClinVar variation 987484 (VCV000987484.8), dbSNP rs1297072049, ClinGen allele CA390174810.

ClinVar aggregate classification (germline): Pathogenic/Likely pathogenic. Review status: criteria provided, multiple submitters, no conflicts (2 of 4 stars). 3 submissions from 3 submitters: Pathogenic (2); Likely pathogenic (1). Last evaluated 2024-02-09.

Conditions:
Spastic paraplegia. Identifiers: MedGen C0037772, HP:0001258.
Hereditary spastic paraplegia 15 (SPG15). Also called: SPASTIC PARAPLEGIA 15, AUTOSOMAL RECESSIVE; SPASTIC PARAPLEGIA AND RETINAL DEGENERATION; KJELLIN SYNDROME. Identifiers: Orphanet 100996, MedGen C1849128, MONDO:0010044, OMIM 270700.

Allele frequency attached by ClinVar (database versions not stated): TOPMed 0.00001.
gnomAD v4.1: 7 of 1,614,024 alleles (0.00043%); highest among the groups gnomAD compares: East Asian, 0.0067%; no homozygotes.

Submissions (3):

Fulgent Genetics
Classification: Likely pathogenic for Hereditary spastic paraplegia 15. Last evaluated: 2024-02-09. Review status: criteria provided, single submitter. Criteria: ACMG Guidelines, 2015. Collection method: clinical testing. Allele origin: germline.

Labcorp Genetics (formerly Invitae), Labcorp
Classification: Pathogenic for Spastic paraplegia. Last evaluated: 2023-12-17. Review status: criteria provided, single submitter. Criteria: Invitae Variant Classification Sherloc (09022015). Collection method: clinical testing. Allele origin: germline.
Comment: This sequence change creates a premature translational stop signal (p.Arg755*) in the ZFYVE26 gene. It is expected to result in an absent or disrupted protein product. Loss-of-function variants in ZFYVE26 are known to be pathogenic (PMID: 18394578, 19805727). This variant is not present in population databases (gnomAD no frequency). This variant has not been reported in the literature in individuals affected with ZFYVE26-related conditions. ClinVar contains an entry for this variant (Variation ID: 987484). For these reasons, this variant has been classified as Pathogenic.

Institute of Medical Genetics and Applied Genomics, University Hospital Tübingen
Classification: Pathogenic. Last evaluated: 2020-10-23. Review status: criteria provided, single submitter. Criteria: ACMG Guidelines, 2015. Collection method: clinical testing. Allele origin: germline. Inheritance: Unknown mechanism. Affected: yes.

Literature cited by the submitters: PubMed 18394578 (cited by Labcorp Genetics (formerly Invitae), Labcorp); PubMed 19805727 (cited by Labcorp Genetics (formerly Invitae), Labcorp).